The following is an entry in ClinVar:

NM_024408.4(NOTCH2):c.5323G>A (p.Ala1775Thr)

Gene: NOTCH2 (notch receptor 2; minus strand). Cytogenetic location: 1p12.
Variant type: single nucleotide variant.
Coding change: c.5323G>A on transcript NM_024408.4 (MANE Select); coding-DNA position 5323, G replaced by A.
Protein change: p.Ala1775Thr; replaces alanine 1775 with threonine.
Molecular consequence: missense variant.
Genome position (GRCh38, 1-based): chr1:119,920,385, C>T on the plus strand (G>A on the coding strand, the complement: NOTCH2 is on the minus strand). VCF-style: chr1-119920385-C-T. GRCh37 (hg19) VCF-style: chr1-120463008-C-T.
Other names: short protein forms A1775T.
Identifiers: ClinVar variation 3880514 (VCV003880514.2).

ClinVar aggregate classification (germline): Uncertain significance. Review status: criteria provided, multiple submitters, no conflicts (2 of 4 stars). 2 submissions from 2 submitters: Uncertain significance (2). Last evaluated 2026-06-29.

Conditions:
NOTCH2-related disorder. Also called: NOTCH2-related condition.
Inborn genetic diseases. Identifiers: MedGen C0950123, MeSH D030342.

Submissions (2):

PreventionGenetics, part of Exact Sciences
Classification: Uncertain significance for NOTCH2-related condition. Last evaluated: 2026-06-29. Review status: criteria provided, single submitter. Criteria: ACMG Guidelines, 2015. Collection method: clinical testing. Allele origin: germline.
Comment: The NOTCH2 c.5323G>A variant is predicted to result in the amino acid substitution p.Ala1775Thr. To our knowledge, this variant has not been reported in the literature. This variant is absent in a large population database (gnomAD), indicating this variant is rare. At this time, the clinical significance of this variant is uncertain due to the absence of conclusive functional and genetic evidence.

Ambry Genetics
Classification: Uncertain significance for Inborn genetic diseases. Last evaluated: 2024-12-23. Review status: criteria provided, single submitter. Criteria: Ambry Variant Classification Scheme 2023. Collection method: clinical testing. Allele origin: germline.